The following is an entry in ClinVar:

NM_052947.4(ALPK2):c.3312T>A (p.Asp1104Glu)

Gene: ALPK2 (alpha kinase 2; minus strand). Cytogenetic location: 18q21.31.
Variant type: single nucleotide variant.
Coding change: c.3312T>A on transcript NM_052947.4 (MANE Select); coding-DNA position 3312, T replaced by A.
Protein change: p.Asp1104Glu; replaces aspartic acid 1104 with glutamic acid.
Molecular consequence: missense variant.
Genome position (GRCh38, 1-based): chr18:58,536,875, A>T on the plus strand (T>A on the coding strand, the complement: ALPK2 is on the minus strand). VCF-style: chr18-58536875-A-T. GRCh37 (hg19) VCF-style: chr18-56204107-A-T.
Other names: short protein forms D1104E.
Identifiers: ClinVar variation 2449237 (VCV002449237.2), dbSNP rs1183140059, ClinGen allele CA402568653.
Genomic context (GRCh38, chr18:58,536,875, plus strand): 5'-CTCTTCATAGCTCCTAAAGTCTGCTCTGTCCACAGTCTGGCTCTTATCTCCAGACAGGTT[A>T]TCAACCTGAAGAGGGGAATTACTGCAGAAACCCTCTCCCTCTGGGAGCTGCAGGACATGG-3'
Protein context (NP_443179.3, residues 1094-1114): GFCSNSPLQV[Asp1104Glu]NLSGDKSQTV

ClinVar aggregate classification (germline): Uncertain significance (1 of 4 stars; one submission).

gnomAD v4.1: 4 of 1,614,180 alleles (0.00025%); highest among the groups gnomAD compares: South Asian, 0.0022%; no homozygotes.

Submission:

Ambry Genetics
Classification: Uncertain significance. Last evaluated: 2022-12-21. Review status: criteria provided, single submitter. Criteria: Ambry Variant Classification Scheme 2023. Collection method: clinical testing. Allele origin: germline.
Comment: The p.D1104E variant (also known as c.3312T>A), located in coding exon 4 of the ALPK2 gene, results from a T to A substitution at nucleotide position 3312. The aspartic acid at codon 1104 is replaced by glutamic acid, an amino acid with highly similar properties. This amino acid position is conserved. In addition, this alteration is predicted to be tolerated by in silico analysis. Since supporting evidence is limited at this time, the clinical significance of this alteration remains unclear.